The following is an entry in ClinVar:

ClinVar aggregate classification (germline): Pathogenic. Review status: reviewed by expert panel (3 of 4 stars). 5 submissions from 5 submitters: Pathogenic (1). 4 of the submissions do not count toward it. Last evaluated 2025-09-07.

Conditions:
RPGR-related retinopathy. Also called: RPGR retinopathy. Identifiers: MedGen CN305589, MONDO:0100437.
Primary ciliary dyskinesia. Also called: Ciliary dyskinesia. Identifiers: Orphanet 244, MedGen C0008780, MONDO:0016575, HP:0012265.

Submissions (5):

ClinGen X-linked Inherited Retinal Disease Variant Curation Expert Panel, ClinGen
Classification: Pathogenic for RPGR-related retinopathy. Last evaluated: 2025-09-07. Review status: reviewed by expert panel. Criteria: ClinGen X LinkedIRD ACMG Specifications RPGR V1.0.0. Collection method: curation. Allele origin: germline. Inheritance: X-linked inheritance.
Comment: NM_001034853.2(RPGR):c.706C>T (p.Gln236Ter) is a nonsense variant that introduces a premature stop in codon 236 within exon 7 of 15, which is predicted to trigger nonsense-mediated decay (PVS1). Exogenously expressed RPGR harboring the variant exhibits reduced interaction with RPGRIP1 in a yeast-2-hybrid experiment (PMID: 10958648). This variant is absent from gnomAD v4.1.0 (PM2_Supporting). At least one proband harboring this variant exhibits a phenotype including family history consistent with X-linked inheritance (2 pts) with a female relative showing fundus signs only (1 pt), early onset (1 pt), night blindness (0.5 pts), reduced visual acuity (0.5 pts), moderate myopia (0.5 pts), optic disc pallor (0.5 pts), attenuated vessels, bone spicule pigmentation (0.5 pts), macular atrophy, visual field constriction (0.5 pts), and abnormal fundus autofluorescence, which together are specific for RPGR-related retinopathy (PMID: 32012938, 7 points, PP4). In summary, this variant is classified as pathogenic for RPGR-related retinopathy based on the ClinGen X-linked Inherited Retinal Disease Expert Panel Specifications to the ACMG/AMP Variant Interpretation Guidelines for RPGR Version 1.0.0; PVS1, PM2_Supporting, and PP4.

Labcorp Genetics (formerly Invitae), Labcorp
Classification: Pathogenic for Primary ciliary dyskinesia. Last evaluated: 2025-05-11. Review status: criteria provided, single submitter. Criteria: Invitae Variant Classification Sherloc (09022015). Collection method: clinical testing. Allele origin: germline. Not counted in ClinVar's aggregate classification.
Comment: This sequence change creates a premature translational stop signal (p.Gln236*) in the RPGR gene. It is expected to result in an absent or disrupted protein product. Loss-of-function variants in RPGR are known to be pathogenic (PMID: 16055928, 16969763). This variant is not present in population databases (gnomAD no frequency). This premature translational stop signal has been observed in individual(s) with retinitis pigmentosa (PMID: 9399904). ClinVar contains an entry for this variant (Variation ID: 98795). For these reasons, this variant has been classified as Pathogenic.

GeneDx
Classification: Pathogenic. Last evaluated: 2022-02-25. Review status: criteria provided, single submitter. Criteria: GeneDx Variant Classification Process June 2021. Collection method: clinical testing. Allele origin: germline. Affected: yes. Not counted in ClinVar's aggregate classification.
Comment: Nonsense variant predicted to result in protein truncation or nonsense mediated decay in a gene for which loss-of-function is a known mechanism of disease; Not observed at significant frequency in large population cohorts (gnomAD); Published functional studies support a damaging effect (Patil et al., 2012); This variant is associated with the following publications: (PMID: 25525159, 9399904, 23213406)

PreventionGenetics, part of Exact Sciences
Classification: Pathogenic. Last evaluated: 2014-05-13. Review status: criteria provided, single submitter. Criteria: ACMG Guidelines, 2015. Collection method: clinical testing. Allele origin: germline. Not counted in ClinVar's aggregate classification.

Retina International
No classification provided. Review status: no classification provided. Collection method: not provided. Allele origin: not provided. Not counted in ClinVar's aggregate classification.

Literature cited by the submitters: PubMed 16055928 (cited by Labcorp Genetics (formerly Invitae), Labcorp); PubMed 16969763 (cited by Labcorp Genetics (formerly Invitae), Labcorp); PubMed 9399904 (cited by Labcorp Genetics (formerly Invitae), Labcorp).

NM_001034853.2(RPGR):c.706C>T (p.Gln236Ter)

Gene: RPGR (retinitis pigmentosa GTPase regulator; minus strand). Cytogenetic location: Xp11.4.
Variant type: single nucleotide variant.
Coding change: c.706C>T on transcript NM_001034853.2 (MANE Select); coding-DNA position 706, C replaced by T.
Protein change: p.Gln236Ter; replaces glutamine 236 with a stop codon.
Molecular consequence: nonsense. On other transcripts: non-coding transcript variant (6).
Genome position (GRCh38, 1-based): chrX:38,310,687, G>A on the plus strand (C>T on the coding strand, the complement: RPGR is on the minus strand). VCF-style: chrX-38310687-G-A. GRCh37 (hg19) VCF-style: chrX-38169940-G-A.
Other names: NM_001034853.2(RPGR):c.706C>T; p.Gln236Ter; c.706C>T, p.Gln236Ter (NM_000328.3, NM_001367246.1, NM_001367247.1 and 1 more transcripts); c.703C>T, p.Gln235Ter (NM_001367245.1, NM_001367249.1, NM_001367250.1); c.736C>T, p.Gln246Ter (NM_001367248.1); short protein forms Q236*, Q235*, Q246*.
Identifiers: ClinVar variation 98795 (VCV000098795.9), dbSNP rs62638652, ClinGen allele CA226437.